The following is an entry in ClinVar:

NM_015102.5(NPHP4):c.2045G>A (p.Arg682Gln)

Gene: NPHP4 (nephrocystin 4; minus strand). Cytogenetic location: 1p36.31.
Variant type: single nucleotide variant.
Coding change: c.2045G>A on transcript NM_015102.5 (MANE Select); coding-DNA position 2045, G replaced by A.
Protein change: p.Arg682Gln; replaces arginine 682 with glutamine.
Molecular consequence: missense variant. On other transcripts: non-coding transcript variant (1).
Genome position (GRCh38, 1-based): chr1:5,904,715, C>T on the plus strand (G>A on the coding strand, the complement: NPHP4 is on the minus strand). VCF-style: chr1-5904715-C-T. GRCh37 (hg19) VCF-style: chr1-5964775-C-T.
Other names: c.506G>A, p.Arg169Gln (NM_001291593.2); c.509G>A, p.Arg170Gln (NM_001291594.2); c.2045G>A (NM_015102.4); short protein forms R682Q, R170Q, R169Q.
Identifiers: ClinVar variation 594011 (VCV000594011.7), dbSNP rs543023683, ClinGen allele CA17124347.

ClinVar aggregate classification (germline): Uncertain significance. Review status: criteria provided, multiple submitters, no conflicts (2 of 4 stars). 3 submissions from 3 submitters: Uncertain significance (3). Last evaluated 2025-11-07.

Conditions:
NPHP4-related disorder. Also called: NPHP4-related disorders; NPHP4-related condition. Identifiers: MedGen CN239384.
Nephronophthisis. Also called: Juvenile Nephronophthisis. Identifiers: Orphanet 655, MedGen C0687120, MONDO:0019005, HP:0000090.

Allele frequency attached by ClinVar (database versions not stated): gnomAD exomes 0.00001 and 0.00006; 1000 Genomes Project 30x 0.00016; 1000 Genomes Project 0.00020; TOPMed 0.00020; gnomAD 0.00033 and 0.00034.
gnomAD v4.1: 69 of 1,613,998 alleles (0.0043%); highest among the groups gnomAD compares: Admixed American, 0.1%; no homozygotes.

Submissions (3):

PreventionGenetics, part of Exact Sciences
Classification: Uncertain significance for NPHP4-related condition. Last evaluated: 2025-11-07. Review status: criteria provided, single submitter. Criteria: ACMG Guidelines, 2015. Collection method: clinical testing. Allele origin: germline.
Comment: The NPHP4 c.2045G>A variant is predicted to result in the amino acid substitution p.Arg682Gln. To our knowledge, this variant has not been reported in the literature. This variant is reported in 0.035% of alleles in individuals of Latino descent in gnomAD. At this time, the clinical significance of this variant is uncertain due to the absence of conclusive functional and genetic evidence.

Labcorp Genetics (formerly Invitae), Labcorp
Classification: Uncertain significance for Nephronophthisis. Last evaluated: 2022-10-13. Review status: criteria provided, single submitter. Criteria: Invitae Variant Classification Sherloc (09022015). Collection method: clinical testing. Allele origin: germline.
Comment: This sequence change replaces arginine, which is basic and polar, with glutamine, which is neutral and polar, at codon 682 of the NPHP4 protein (p.Arg682Gln). This variant is present in population databases (rs543023683, gnomAD 0.04%). This variant has not been reported in the literature in individuals affected with NPHP4-related conditions. ClinVar contains an entry for this variant (Variation ID: 594011). Advanced modeling of protein sequence and biophysical properties (such as structural, functional, and spatial information, amino acid conservation, physicochemical variation, residue mobility, and thermodynamic stability) performed at Invitae indicates that this missense variant is expected to disrupt NPHP4 protein function. In summary, the available evidence is currently insufficient to determine the role of this variant in disease. Therefore, it has been classified as a Variant of Uncertain Significance.

Eurofins Ntd Llc (ga)
Classification: Uncertain significance. Last evaluated: 2017-09-08. Review status: criteria provided, single submitter. Criteria: EGL Classification Definitions 2015. Collection method: clinical testing. Allele origin: germline. Observed: 2 variant alleles, 2 heterozygotes.